The following is an entry in ClinVar:

NM_032409.3(PINK1):c.835C>T (p.Arg279Cys)

Genes: PINK1 (PTEN induced kinase 1; plus strand), PINK1-AS (PINK1 antisense RNA; minus strand). Cytogenetic location: 1p36.12.
Variant type: single nucleotide variant.
Coding change: c.835C>T on transcript NM_032409.3 (MANE Select); coding-DNA position 835, C replaced by T.
Protein change: p.Arg279Cys; replaces arginine 279 with cysteine.
Molecular consequence: missense variant.
Genome position (GRCh38, 1-based): chr1:20,644,548, C>T. VCF-style: chr1-20644548-C-T. GRCh37 (hg19) VCF-style: chr1-20971041-C-T.
Other names: short protein forms R279C.
Identifiers: ClinVar variation 873989 (VCV000873989.8), dbSNP rs61735932, ClinGen allele CA660552.

ClinVar aggregate classification (germline): Uncertain significance. Review status: criteria provided, multiple submitters, no conflicts (2 of 4 stars). 4 submissions from 4 submitters: Uncertain significance (4). Last evaluated 2024-11-06.

Conditions:
Autosomal recessive early-onset Parkinson disease 6 (PARK6). Also called: PINK1-Related Parkinson Disease; PINK1 Type of Young-Onset Parkinson Disease; PARKINSON DISEASE 6, EARLY-ONSET; PARKINSON DISEASE 6, MODIFIER OF. Identifiers: Orphanet 2828, MedGen C1853833, MONDO:0011613, OMIM 605909.

Allele frequency attached by ClinVar (database versions not stated): TOPMed 0.00005; gnomAD exomes 0.00006 and 0.00008; ExAC 0.00007; gnomAD 0.00007 and 0.00008; ESP Exome Variant Server 0.00031.
gnomAD v4.1: 118 of 1,614,096 alleles (0.0073%); highest among the groups gnomAD compares: East Asian, 0.082%; no homozygotes.

Submissions (4):

GeneDx
Classification: Uncertain significance. Last evaluated: 2024-11-06. Review status: criteria provided, single submitter. Criteria: GeneDx Variant Classification Process June 2021. Collection method: clinical testing. Allele origin: germline. Affected: yes.
Comment: Previously reported in the heterozygous state in individuals with early-onset Parkinson disease (PMID: 30502028, 32713623); In silico analysis indicates that this missense variant does not alter protein structure/function; This variant is associated with the following publications: (PMID: 21534944, Hayashida2017[article], 30502028, 32713623)

Labcorp Genetics (formerly Invitae), Labcorp
Classification: Uncertain significance for Autosomal recessive early-onset Parkinson disease 6. Last evaluated: 2022-07-12. Review status: criteria provided, single submitter. Criteria: Invitae Variant Classification Sherloc (09022015). Collection method: clinical testing. Allele origin: germline.
Comment: Algorithms developed to predict the effect of missense changes on protein structure and function are either unavailable or do not agree on the potential impact of this missense change (SIFT: "Tolerated"; PolyPhen-2: "Probably Damaging"; Align-GVGD: "Class C15"). In summary, the available evidence is currently insufficient to determine the role of this variant in disease. Therefore, it has been classified as a Variant of Uncertain Significance. ClinVar contains an entry for this variant (Variation ID: 873989). This missense change has been observed in individual(s) with Parkinson disease (PMID: 21534944, 30502028, 32713623). This variant is present in population databases (rs61735932, gnomAD 0.05%). This sequence change replaces arginine, which is basic and polar, with cysteine, which is neutral and slightly polar, at codon 279 of the PINK1 protein (p.Arg279Cys).

Fulgent Genetics
Classification: Uncertain significance for Autosomal recessive early-onset Parkinson disease 6. Last evaluated: 2022-04-08. Review status: criteria provided, single submitter. Criteria: ACMG Guidelines, 2015. Collection method: clinical testing. Allele origin: unknown.

Illumina Laboratory Services, Illumina
Classification: Uncertain significance for Autosomal recessive early-onset Parkinson disease 6. Last evaluated: 2017-06-15. Review status: criteria provided, single submitter. Criteria: ICSL Variant Classification Criteria 13 December 2019. Collection method: clinical testing. Allele origin: germline.
Comment: This variant was observed as part of a predisposition screen in an ostensibly healthy population. A literature search was performed for the gene, cDNA change, and amino acid change (where applicable). Publications were found based on this search. However, the evidence from the literature, in combination with allele frequency data from public databases where available, was not sufficient to rule this variant in or out of causing disease. Therefore, this variant is classified as a variant of unknown significance.

Literature cited by the submitters: PubMed 21534944 (cited by Labcorp Genetics (formerly Invitae), Labcorp and Illumina Laboratory Services, Illumina); PubMed 30502028 (cited by Labcorp Genetics (formerly Invitae), Labcorp); PubMed 32713623 (cited by Labcorp Genetics (formerly Invitae), Labcorp).